The following is an entry in ClinVar:

ClinVar aggregate classification (germline): Pathogenic (1 of 4 stars; one submission).

Conditions:
Hereditary sensory and autonomic neuropathy type 6. Also called: Neuropathy, hereditary sensory and autonomic, type VI; HSAN VI. Identifiers: Orphanet 314381, MedGen C3539003, MONDO:0013839, OMIM 614653.
Epidermolysis bullosa simplex 3, localized or generalized intermediate, with BP230 deficiency (EBS3). Also called: Epidermolysis bullosa simplex due to BP230 deficiency; Epidermolysis bullosa simplex, autosomal recessive 2. Identifiers: Orphanet 412181, MedGen C3809470, MONDO:0014180, OMIM 615425.

Submission:

Labcorp Genetics (formerly Invitae), Labcorp
Classification: Pathogenic for Epidermolysis bullosa simplex 3, localized or generalized intermediate, with BP230 deficiency; Hereditary sensory and autonomic neuropathy type 6. Last evaluated: 2022-07-12. Review status: criteria provided, single submitter. Criteria: Invitae Variant Classification Sherloc (09022015). Collection method: clinical testing. Allele origin: germline.
Comment: This sequence change creates a premature translational stop signal (p.Thr1082Ilefs*8) in the DST gene. It is expected to result in an absent or disrupted protein product. Loss-of-function variants in DST are known to be pathogenic (PMID: 22522446, 25059916, 30371979). This variant is not present in population databases (gnomAD no frequency). For these reasons, this variant has been classified as Pathogenic. This variant has not been reported in the literature in individuals affected with DST-related conditions.

Literature cited by the submitters: PubMed 22522446; PubMed 25059916; PubMed 30371979.

NM_001374736.1(DST):c.4854_4855dup (p.Thr1619fs)

Gene: DST (dystonin; minus strand). Cytogenetic location: 6p12.1.
Variant type: Microsatellite.
Coding change: c.4854_4855dup on transcript NM_001374736.1 (MANE Select); coding-DNA positions 4854 to 4855, 2 bases duplicated (TA; older notation c.4854_4855dupTA).
Protein change: p.Thr1619fs; shifts the reading frame from threonine 1619.
Molecular consequence: frameshift variant.
Genome position (GRCh38, 1-based): chr6:56,624,604-56,624,605, TA duplicated on the plus strand (TA on the coding strand, the reverse complement: DST is on the minus strand); duplicating any 2 consecutive bases within chr6:56,624,604-56,624,608 gives the same sequence; the c. name uses the placement nearest the transcript's 3' end. VCF-style (leftmost placement, unchanged base first): chr6-56624603-G-GTA. GRCh37 (hg19) VCF-style: chr6-56489401-G-GTA.
Other names: c.4755_4756dup, p.Thr1586fs (NM_001144769.5); c.4341_4342dup, p.Thr1448fs (NM_001144770.2); c.4854_4855dup, p.Thr1619fs (NM_001374722.1); c.4221_4222dup, p.Thr1408fs (NM_001374729.1, NM_001374730.1, NM_001386100.1 and 1 more transcripts); c.4881_4882dup, p.Thr1628fs (NM_001374734.1); c.3243_3244dup, p.Thr1082fs (NM_001723.7, NM_015548.5); short protein forms T1448fs, T1619fs, T1628fs, T1082fs, T1408fs, T1586fs.
Identifiers: ClinVar variation 1426055 (VCV001426055.6), dbSNP rs2152746765, ClinGen allele CA2580617270.
Genomic context (GRCh38, chr6:56,624,603, plus strand): 5'-AGCCTCTTCAATGAATCACCAGCAAATTTAATATATTGTGTCATGAGAGTGACCAGGGCA[G>GTA]TATATCGAGTCCTTAGGTCCATGAACTGCAAGTAAGGAAAAAAATAATAAAAGCATTACC-3'